The following is an entry in ClinVar:

NM_015189.3(EXOC6B):c.1665+6C>G

Gene: EXOC6B (exocyst complex component 6B; minus strand). Cytogenetic location: 2p13.2.
Variant type: single nucleotide variant.
Coding change: c.1665+6C>G on transcript NM_015189.3 (MANE Select); 6 bases into the intron after coding-DNA position 1665, C replaced by G.
Molecular consequence: intron variant.
Genome position (GRCh38, 1-based): chr2:72,492,312, G>C on the plus strand (C>G on the coding strand, the complement: EXOC6B is on the minus strand). VCF-style: chr2-72492312-G-C. GRCh37 (hg19) VCF-style: chr2-72719441-G-C.
Other names: c.1665+6C>G (NM_015189.2, NM_001321733.2, NM_001321730.2 and 2 more transcripts); c.1326+6C>G (NM_001321734.2).
Identifiers: ClinVar variation 715445 (VCV000715445.12), dbSNP rs181182127, ClinGen allele CA1708385.
Genomic context (GRCh38, chr2:72,492,312, plus strand): 5'-AAGGCCCAGAGCTTAGGACATCTGTTCACATACTGGCTCGGCTGCCTTCATTAGGAGCAG[G>C]TTTACCTCAGTAAGCCCAATATTCTTCCTTTTAATTACATTCTGCAGAGAGTTGCTCAGA-3'

ClinVar aggregate classification (germline): Benign. Review status: criteria provided, single submitter (1 of 4 stars). 2 submissions from 2 submitters: Benign (1). 1 of the submissions does not count toward it. Last evaluated 2026-01-04.

Conditions:
EXOC6B-related disorder. Also called: EXOC6B-related condition.

Allele frequency attached by ClinVar (database versions not stated): gnomAD 0.00086; TOPMed 0.00096; 1000 Genomes Project 30x 0.00312; 1000 Genomes Project 0.00339.
gnomAD v4.1: 460 of 1,589,982 alleles (0.029%); highest among the groups gnomAD compares: East Asian, 0.77%; 5 homozygotes.

Submissions (2):

Labcorp Genetics (formerly Invitae), Labcorp
Classification: Benign. Last evaluated: 2026-01-04. Review status: criteria provided, single submitter. Criteria: Invitae Variant Classification Sherloc (09022015). Collection method: clinical testing. Allele origin: germline.

PreventionGenetics, part of Exact Sciences
Classification: Benign for EXOC6B-related condition. Last evaluated: 2019-03-27. Review status: no assertion criteria provided. Collection method: clinical testing. Allele origin: germline. Not counted in ClinVar's aggregate classification.
Comment: This variant is classified as benign based on ACMG/AMP sequence variant interpretation guidelines (Richards et al. 2015 PMID: 25741868, with internal and published modifications).